The following is an entry in ClinVar:

NM_000439.5(PCSK1):c.869A>G (p.Tyr290Cys)

Genes: CAST (calpastatin; plus strand), PCSK1 (proprotein convertase subtilisin/kexin type 1; minus strand), LOC101929710 (uncharacterized LOC101929710; plus strand). Cytogenetic location: 5q15.
Variant type: single nucleotide variant.
Coding change: c.869A>G on transcript NM_000439.5 (MANE Select); coding-DNA position 869, A replaced by G.
Protein change: p.Tyr290Cys; replaces tyrosine 290 with cysteine.
Molecular consequence: missense variant. On other transcripts: intron variant (11).
Genome position (GRCh38, 1-based): chr5:96,412,331, T>C on the plus strand (A>G on the coding strand, the complement: PCSK1 is on the minus strand). VCF-style: chr5-96412331-T-C. GRCh37 (hg19) VCF-style: chr5-95748035-T-C.
Other names: c.728A>G, p.Tyr243Cys (NM_001177875.2); c.-175+32679T>C (NM_001423254.1, NM_001423259.1, NM_001423255.1 and 6 more transcripts); c.-103+32679T>C (NM_001423253.1); c.-40+32679T>C (NM_001423258.1); short protein forms Y243C, Y290C.
Identifiers: ClinVar variation 3352550 (VCV003352550.2).

ClinVar aggregate classification (germline): Uncertain significance (1 of 4 stars; one submission).

Conditions:
PCSK1-related disorder. Also called: PCSK1-related condition.

gnomAD v4.1: 37 of 1,614,168 alleles (0.0023%); highest among the groups gnomAD compares: African/African-American, 0.048%; no homozygotes.

Submission:

PreventionGenetics, part of Exact Sciences
Classification: Uncertain significance for PCSK1-related condition. Last evaluated: 2026-08-11. Review status: criteria provided, single submitter. Criteria: ACMG Guidelines, 2015. Collection method: clinical testing. Allele origin: germline.
Comment: The PCSK1 c.869A>G variant is predicted to result in the amino acid substitution p.Tyr290Cys. This variant was observed in a cohort of individuals with obesity, and in vitro functional studies show suggestive evidence of loss of function (Table 3 and Supplemental Data Set, Shah et al. 2023. PubMed ID: 36864747; Table 1, Folon et al. 2023. PubMed ID: 36822744). This variant is reported in 0.071% of alleles in individuals of African descent in gnomAD. Although we suspect this variant may be pathogenic, at this time, the clinical significance of this variant is uncertain due to the absence of conclusive functional and genetic evidence.